The following is an entry in ClinVar:

ClinVar aggregate classification (germline): Uncertain significance (1 of 4 stars; one submission).

Submission:

GeneDx
Classification: Uncertain significance. Last evaluated: 2022-06-07. Review status: criteria provided, single submitter. Criteria: GeneDx Variant Classification Process June 2021. Collection method: clinical testing. Allele origin: germline. Affected: yes.
Comment: Not observed at significant frequency in large population cohorts (gnomAD); In silico analysis supports that this missense variant has a deleterious effect on protein structure/function; Has not been previously published as pathogenic or benign to our knowledge

NM_001320.7(CSNK2B):c.32C>T (p.Ser11Phe)

Gene: CSNK2B (casein kinase 2 beta; plus strand). Cytogenetic location: 6p21.33.
Variant type: single nucleotide variant.
Coding change: c.32C>T on transcript NM_001320.7 (MANE Select); coding-DNA position 32, C replaced by T.
Protein change: p.Ser11Phe; replaces serine 11 with phenylalanine.
Molecular consequence: missense variant.
Genome position (GRCh38, 1-based): chr6:31,666,863, C>T. VCF-style: chr6-31666863-C-T. GRCh37 (hg19) VCF-style: chr6-31634640-C-T.
Other names: c.32C>T, p.Ser11Phe (NM_001282385.2); short protein forms S11F.
Identifiers: ClinVar variation 1803327 (VCV001803327.1), dbSNP rs2536947688, ClinGen allele CA363469387.